The following is an entry in ClinVar:

NM_001430.5(EPAS1):c.1880C>A (p.Pro627His)

Gene: EPAS1 (endothelial PAS domain protein 1; plus strand). Cytogenetic location: 2p21.
Variant type: single nucleotide variant.
Coding change: c.1880C>A on transcript NM_001430.5 (MANE Select); coding-DNA position 1880, C replaced by A.
Protein change: p.Pro627His; replaces proline 627 with histidine.
Molecular consequence: missense variant.
Genome position (GRCh38, 1-based): chr2:46,380,552, C>A. VCF-style: chr2-46380552-C-A. GRCh37 (hg19) VCF-style: chr2-46607691-C-A.
Other names: short protein forms P627H.
Identifiers: ClinVar variation 3509005 (VCV003509005.1).

ClinVar aggregate classification (germline): Uncertain significance (1 of 4 stars; one submission).

Conditions:
Inborn genetic diseases. Identifiers: MedGen C0950123, MeSH D030342.

gnomAD v4.1: 2 of 1,614,178 alleles (0.00012%); highest among the groups gnomAD compares: Non-Finnish European, 0.00017%; no homozygotes.

Submission:

Ambry Genetics
Classification: Uncertain significance for Inborn genetic diseases. Last evaluated: 2024-10-19. Review status: criteria provided, single submitter. Criteria: Ambry Variant Classification Scheme 2023. Collection method: clinical testing. Allele origin: germline.
Comment: The p.P627H variant (also known as c.1880C>A), located in coding exon 12 of the EPAS1 gene, results from a C to A substitution at nucleotide position 1880. The proline at codon 627 is replaced by histidine, an amino acid with similar properties. This amino acid position is conserved. In addition, the in silico prediction for this alteration is inconclusive. Based on the available evidence, the clinical significance of this variant remains unclear.